The following continues an entry in ClinVar:

NM_000275.3(OCA2):c.1255C>T (p.Arg419Trp)

Gene: OCA2. ClinVar aggregate classification (germline): Conflicting classifications of pathogenicity. Pathogenic (10); Likely pathogenic (1); Uncertain significance (3).

Submissions 11 to 15 of 15:

Victorian Clinical Genetics Services, Murdoch Childrens Research Institute
Classification: Pathogenic for Tyrosinase-positive oculocutaneous albinism. Last evaluated: 2021-05-06. Review status: criteria provided, single submitter. Criteria: ACMG Guidelines, 2015. Collection method: clinical testing. Allele origin: germline. Inheritance: Autosomal recessive inheritance. Affected: yes.
Comment: Based on the classification scheme VCGS_Germline_v1.3.4, this variant is classified as Pathogenic. Following criteria are met: 0102 - Loss of function is a known mechanism of disease in this gene and is associated with brown oculocutaneous and oculocutaneous, type II albinism (MIM#203200). (I) 0106 - This gene is associated with autosomal recessive disease. A single variant has been reported in two families with dominant oculocutaneous albinism (PMID: 32741191). (I) 0115 - Variants in this gene causing oculocutaneous albininism are known to have variable expressivity (PMID: 24518832). (I) 0200 - Variant is predicted to result in a missense amino acid change from arginine to tryptophan. (I) 0251 - This variant is heterozygous. (I) 0304 - Variant is present in gnomAD (v3) <0.01 for a recessive condition (78 heterozygotes, 0 homozygotes). (SP) 0309 - An alternative amino acid change at the same position has been observed in gnomAD (v2) (12158 heterozygotes, 400 homozygotes). (I) 0501 - Missense variant consistently predicted to be damaging by multiple in silico tools or highly conserved with a major amino acid change. (SP) 0600 - Variant is located in the annotated permease P domain (NCBI). (I) 0710 - Another missense variant has inconclusive previous evidence for pathogenicity. This alternative change at the same position (p.Arg419Gln) has been reported multiple times as benign and as a polymorphism, but has a weaker Grantham change (LOVD, ClinVar, PMID: 9259203). (I) 0801 - This variant has strong previous evidence of pathogenicity in unrelated individuals. This variant has been previously reported as a VUS (ClinVar), but more recently described as pathogenic and observed in many compound heterozygous patients with oculocutaneous albinism (PMID: 9259203, PMID: 33124154; PMID: 23504663; PMID: 31229681; PMID: 29095814; PMID: 31077556). One patient also had occult macular dystrophy, but this is due to an additional variant in the RPL1L1 gene (PMID: 30025130). (SP) 1102 - Strong phenotype match for this individual. (SP) 1208 - Inheritance information for this variant is not currently available in this individual. (I) Legend: (SP) - Supporting pathogenic, (I) - Information, (SB) - Supporting benign

Illumina Laboratory Services, Illumina
Classification: Uncertain significance for Tyrosinase-positive oculocutaneous albinism. Last evaluated: 2017-04-27. Review status: criteria provided, single submitter. Criteria: ICSL Variant Classification Criteria 13 December 2019. Collection method: clinical testing. Allele origin: germline.
Comment: This variant was observed as part of a predisposition screen in an ostensibly healthy population. A literature search was performed for the gene, cDNA change, and amino acid change (where applicable). Publications were found based on this search. However, the evidence from the literature, in combination with allele frequency data from public databases where available, was not sufficient to rule this variant in or out of causing disease. Therefore, this variant is classified as a variant of unknown significance.

Eurofins Ntd Llc (ga)
Classification: Uncertain significance. Last evaluated: 2014-12-01. Review status: criteria provided, single submitter. Criteria: EGL Classification Definitions 2015. Collection method: clinical testing. Allele origin: germline. Observed: 3 variant alleles, 3 heterozygotes.

Juno Genomics, Hangzhou Juno Genomics, Inc
Classification: Pathogenic for Tyrosinase-positive oculocutaneous albinism. Review status: criteria provided, single submitter. Criteria: ACMG Guidelines, 2015. Collection method: clinical testing. Allele origin: germline. Affected: yes.
Comment: Absent from controls (or at extremely low frequency if recessive) in Genome Aggregation Database, Exome Sequencing Project, 1000 Genomes Project, or Exome Aggregation Consortium.;For recessive disorders, detected in trans with a pathogenic variant.;Patient's phenotype or family history is highly specific for a disease with a single genetic etiology.;Multiple lines of computational evidence support a deleterious effect on the gene or gene product (conservation, evolutionary, splicing impact, etc).

PreventionGenetics, part of Exact Sciences
Classification: Likely pathogenic for OCA2-related condition. Last evaluated: 2024-07-30. Review status: no assertion criteria provided. Collection method: clinical testing. Allele origin: germline. Not counted in ClinVar's aggregate classification.
Comment: The OCA2 c.1255C>T variant is predicted to result in the amino acid substitution p.Arg419Trp. This variant has been reported in individuals with autosomal recessive oculocutaneous albanism (OCA) (Spritz et al. 1997. PubMed ID: 9259203; Zobor et al. 2018. PubMed ID: 30025130; Zhong et al. 2019. PubMed ID: 31077556). This variant is reported in 0.21% of alleles in individuals of African descent in gnomAD. This variant is interpreted as likely pathogenic.

Literature cited by the submitters: PubMed 9259203 (cited by 5 submitters); PubMed 29345414 (cited by 3 submitters); PubMed 31077556 (cited by 3 submitters); PubMed 33124154 (cited by 3 submitters); PubMed 21458243 (cited by Labcorp Genetics (formerly Invitae), Labcorp); PubMed 33808351 (cited by Variantyx, Inc.); PubMed 34838614 (cited by Variantyx, Inc. and Women's Health and Genetics/Laboratory Corporation of America, LabCorp); PubMed 23504663 (cited by Victorian Clinical Genetics Services, Murdoch Childrens Research Institute); PubMed 24518832 (cited by Victorian Clinical Genetics Services, Murdoch Childrens Research Institute); PubMed 29095814 (cited by Victorian Clinical Genetics Services, Murdoch Childrens Research Institute); PubMed 30025130 (cited by Victorian Clinical Genetics Services, Murdoch Childrens Research Institute); PubMed 31229681 (cited by Victorian Clinical Genetics Services, Murdoch Childrens Research Institute); PubMed 32741191 (cited by Victorian Clinical Genetics Services, Murdoch Childrens Research Institute).